The following is an entry in ClinVar:

ClinVar aggregate classification (germline): Likely benign (1 of 4 stars; one submission).

Allele frequency attached by ClinVar (database versions not stated): gnomAD exomes below 0.00001.
gnomAD v4.1: 7 of 1,613,956 alleles (0.00043%); highest among the groups gnomAD compares: Middle Eastern, 0.033%; no homozygotes.

Submission:

CeGaT Center for Human Genetics Tuebingen
Classification: Likely benign. Last evaluated: 2022-06-01. Review status: criteria provided, single submitter. Criteria: CeGaT Center For Human Genetics Tuebingen Variant Classification Criteria Version 2. Collection method: clinical testing. Allele origin: germline. Affected: yes. Observed: 1 variant allele.
Comment: EP400: BP4

NM_015409.5(EP400):c.3968G>A (p.Ser1323Asn)

Gene: EP400 (E1A binding protein p400; plus strand). Cytogenetic location: 12q24.33.
Variant type: single nucleotide variant.
Coding change: c.3968G>A on transcript NM_015409.5 (MANE Select); coding-DNA position 3968, G replaced by A.
Protein change: p.Ser1323Asn; replaces serine 1323 with asparagine.
Molecular consequence: missense variant.
Genome position (GRCh38, 1-based): chr12:132,017,579, G>A. VCF-style: chr12-132017579-G-A. GRCh37 (hg19) VCF-style: chr12-132502124-G-A.
Other names: short protein forms S1323N.
Identifiers: ClinVar variation 2643620 (VCV002643620.24), dbSNP rs1314334530, ClinGen allele CA387326692.